The following is an entry in ClinVar:

ClinVar aggregate classification (germline): Conflicting classifications of pathogenicity. Review status: criteria provided, conflicting classifications (1 of 4 stars). 3 submissions from 3 submitters: Uncertain significance (2); Likely benign (1). Last evaluated 2024-06-14.

Conditions:
Joubert syndrome 20 (JBTS20). Identifiers: Orphanet 475, MedGen C3554235, MONDO:0013994, OMIM 614970.
Meckel syndrome, type 11 (MKS11). Identifiers: Orphanet 564, MedGen C3809352, MONDO:0014164, OMIM 615397.

Allele frequency attached by ClinVar (database versions not stated): gnomAD exomes 0.00002; gnomAD 0.00005; TOPMed 0.00005; ExAC 0.00008; 1000 Genomes Project 30x 0.00016; 1000 Genomes Project 0.00020.
gnomAD v4.1: 35 of 1,575,474 alleles (0.0022%); highest among the groups gnomAD compares: East Asian, 0.079%; no homozygotes.

Submissions (3):

Blueprint Genetics
Classification: Likely benign. Last evaluated: 2024-06-14. Review status: criteria provided, single submitter. Criteria: ACMG Guidelines, 2015. Collection method: clinical testing. Allele origin: germline.

Labcorp Genetics (formerly Invitae), Labcorp
Classification: Uncertain significance for Joubert syndrome 20; Meckel syndrome, type 11. Last evaluated: 2022-08-09. Review status: criteria provided, single submitter. Criteria: Invitae Variant Classification Sherloc (09022015). Collection method: clinical testing. Allele origin: germline.
Comment: This variant is present in population databases (rs563689568, gnomAD 0.06%). This sequence change replaces glycine, which is neutral and non-polar, with aspartic acid, which is acidic and polar, at codon 87 of the TMEM231 protein (p.Gly87Asp). Algorithms developed to predict the effect of missense changes on protein structure and function are either unavailable or do not agree on the potential impact of this missense change (SIFT: "Tolerated"; PolyPhen-2: "Not Available"; Align-GVGD: "Class C0"). In summary, the available evidence is currently insufficient to determine the role of this variant in disease. Therefore, it has been classified as a Variant of Uncertain Significance. This missense change has been observed in individual(s) with clinical features of retinitis pigmentosa (PMID: 31054281).

Juno Genomics, Hangzhou Juno Genomics, Inc
Classification: Uncertain significance for Joubert syndrome 20; Meckel syndrome, type 11. Review status: criteria provided, single submitter. Criteria: ACMG Guidelines, 2015. Collection method: clinical testing. Allele origin: germline.
Comment: Absent from controls (or at extremely low frequency if recessive) in Genome Aggregation Database.

Literature cited by the submitters: PubMed 31054281 (cited by Labcorp Genetics (formerly Invitae), Labcorp).

NM_001077418.3(TMEM231):c.140-39G>A

Genes: TMEM231 (transmembrane protein 231; minus strand), LOC130059440 (ATAC-STARR-seq lymphoblastoid silent region 7724; plus strand). Cytogenetic location: 16q23.1.
Variant type: single nucleotide variant.
Coding change: c.140-39G>A on transcript NM_001077418.3 (MANE Select); 39 bases into the intron before coding-DNA position 140, G replaced by A.
Molecular consequence: intron variant. On other transcripts: missense variant (1).
Genome position (GRCh38, 1-based): chr16:75,556,012, C>T on the plus strand (G>A on the coding strand, the complement: TMEM231 is on the minus strand). VCF-style: chr16-75556012-C-T. GRCh37 (hg19) VCF-style: chr16-75589910-C-T.
Other names: c.260G>A, p.Gly87Asp (NM_001077416.2); short protein forms G87D.
Identifiers: ClinVar variation 2195805 (VCV002195805.6), dbSNP rs563689568, ClinGen allele CA8176285.